The following is an entry in ClinVar:

ClinVar aggregate classification (germline): Uncertain significance. Review status: criteria provided, multiple submitters, no conflicts (2 of 4 stars). 2 submissions from 2 submitters: Uncertain significance (2). Last evaluated 2025-11-05.

Conditions:
Inborn genetic diseases. Identifiers: MedGen C0950123, MeSH D030342.
Primary ciliary dyskinesia 30. Also called: CILIARY DYSKINESIA, PRIMARY, 30, WITH OR WITHOUT SITUS INVERSUS. Identifiers: Orphanet 244, MedGen C4015016, MONDO:0014465, OMIM 616037.

Allele frequency attached by ClinVar (database versions not stated): ExAC 0.00002; TOPMed 0.00001; gnomAD 0.00001; ESP Exome Variant Server 0.00008.
gnomAD v4.1: 110 of 1,614,074 alleles (0.0068%); highest among the groups gnomAD compares: Non-Finnish European, 0.0092%; no homozygotes.

Submissions (2):

Ambry Genetics
Classification: Uncertain significance for Inborn genetic diseases. Last evaluated: 2025-11-05. Review status: criteria provided, single submitter. Criteria: Ambry Variant Classification Scheme 2023. Collection method: clinical testing. Allele origin: germline.

Labcorp Genetics (formerly Invitae), Labcorp
Classification: Uncertain significance for Primary ciliary dyskinesia 30. Last evaluated: 2022-04-20. Review status: criteria provided, single submitter. Criteria: Invitae Variant Classification Sherloc (09022015). Collection method: clinical testing. Allele origin: germline.
Comment: In summary, the available evidence is currently insufficient to determine the role of this variant in disease. Therefore, it has been classified as a Variant of Uncertain Significance. Algorithms developed to predict the effect of missense changes on protein structure and function output the following: SIFT: "Deleterious"; PolyPhen-2: "Benign"; Align-GVGD: "Class C0". The threonine amino acid residue is found in multiple mammalian species, which suggests that this missense change does not adversely affect protein function. This sequence change replaces alanine, which is neutral and non-polar, with threonine, which is neutral and polar, at codon 45 of the CCDC151 protein (p.Ala45Thr). This variant is present in population databases (rs200252213, gnomAD 0.003%). This variant has not been reported in the literature in individuals affected with CCDC151-related conditions.

NM_145045.5(ODAD3):c.133G>A (p.Ala45Thr)

Gene: ODAD3 (outer dynein arm docking complex subunit 3; minus strand). Cytogenetic location: 19p13.2.
Variant type: single nucleotide variant.
Coding change: c.133G>A on transcript NM_145045.5 (MANE Select); coding-DNA position 133, G replaced by A.
Protein change: p.Ala45Thr; replaces alanine 45 with threonine.
Molecular consequence: missense variant. On other transcripts: intron variant (1).
Genome position (GRCh38, 1-based): chr19:11,434,884, C>T on the plus strand (G>A on the coding strand, the complement: ODAD3 is on the minus strand). VCF-style: chr19-11434884-C-T. GRCh37 (hg19) VCF-style: chr19-11545705-C-T.
Other names: c.133G>A (NM_145045.4); c.133G>A, p.Ala45Thr (NM_001302454.2); c.82+806G>A (NM_001302453.1); short protein forms A45T.
Identifiers: ClinVar variation 2196717 (VCV002196717.3), dbSNP rs200252213, ClinGen allele CA9212560.
Genomic context (GRCh38, chr19:11,434,884, plus strand): 5'-GCTTCCCTGCACCTCTGTGGAAGGATCCTCCCTTGGAACGGCCTGGGGTCCACGCCTGGG[C>T]TGTGCCCTTGCCTCGGAGGTGGCTGGGTTTGCCCGAAGCCTCCCTGCCCTTGACCCTGGA-3'
Protein context (NP_659482.3, residues 35-55): KPSHLRGKGT[Ala45Thr]QAWTPGRSKG